The following is an entry in ClinVar:

ClinVar aggregate classification (germline): Uncertain significance. Review status: criteria provided, multiple submitters, no conflicts (2 of 4 stars). 2 submissions from 2 submitters: Uncertain significance (2). Last evaluated 2021-08-31.

Conditions:
Progressive myoclonic epilepsy. Also called: Myoclonic Epilepsies, Progressive; Familial progressive myoclonic epilepsy; Myoclonus epilepsy; Progressive myoclonus epilepsy. Identifiers: Orphanet 308, Orphanet 98261, MedGen C0751778, MONDO:0020074.

gnomAD v4.1: 2 of 1,509,242 alleles (0.00013%); highest among the groups gnomAD compares: Non-Finnish European, 0.00018%; no homozygotes.

Submissions (2):

Labcorp Genetics (formerly Invitae), Labcorp
Classification: Uncertain significance for Progressive myoclonic epilepsy. Last evaluated: 2021-08-31. Review status: criteria provided, single submitter. Criteria: Invitae Variant Classification Sherloc (09022015). Collection method: clinical testing. Allele origin: germline.
Comment: This sequence change replaces alanine with proline at codon 76 of the EPM2A protein (p.Ala76Pro). The alanine residue is weakly conserved and there is a small physicochemical difference between alanine and proline. The frequency data for this variant in the population databases is considered unreliable, as metrics indicate insufficient coverage at this position in the ExAC database. This variant has not been reported in the literature in individuals affected with EPM2A-related conditions. Algorithms developed to predict the effect of missense changes on protein structure and function are either unavailable or do not agree on the potential impact of this missense change (SIFT: "Deleterious"; PolyPhen-2: "Benign"; Align-GVGD: "Class C0"). In summary, the available evidence is currently insufficient to determine the role of this variant in disease. Therefore, it has been classified as a Variant of Uncertain Significance.

GeneDx
Classification: Uncertain significance. Last evaluated: 2019-05-31. Review status: criteria provided, single submitter. Criteria: GeneDx Variant Classification Process June 2021. Collection method: clinical testing. Allele origin: germline. Affected: yes.
Comment: Not observed in large population cohorts (Lek et al., 2016); In silico analysis, which includes protein predictors and evolutionary conservation, supports that this variant does not alter protein structure/function; Has not been previously published as pathogenic or benign to our knowledge

NM_005670.4(EPM2A):c.226G>C (p.Ala76Pro)

Genes: EPM2A-DT (EPM2A divergent transcript; plus strand), EPM2A (EPM2A glucan phosphatase, laforin; minus strand), LOC129997381 (ATAC-STARR-seq lymphoblastoid silent region 17642; plus strand). Cytogenetic location: 6q24.3.
Variant type: single nucleotide variant.
Coding change: c.226G>C on transcript NM_005670.4 (MANE Select); coding-DNA position 226, G replaced by C.
Protein change: p.Ala76Pro; replaces alanine 76 with proline.
Molecular consequence: missense variant. On other transcripts: 5 prime UTR variant (3), intron variant (1).
Genome position (GRCh38, 1-based): chr6:145,735,273, C>G on the plus strand (G>C on the coding strand, the complement: EPM2A is on the minus strand). VCF-style: chr6-145735273-C-G. GRCh37 (hg19) VCF-style: chr6-146056409-C-G.
Other names: c.226G>C, p.Ala76Pro (NM_001018041.2, NM_001360057.2, NM_001368130.1); c.-444G>C (NM_001360071.2); c.-398G>C (NM_001368129.2); c.-142G>C (NM_001368131.1); c.-114+635G>C (NM_001360064.2); short protein forms A76P.
Identifiers: ClinVar variation 943699 (VCV000943699.8), dbSNP rs1333556119, ClinGen allele CA366187997.